The following is an entry in ClinVar:

NM_001349.4(DARS1):c.1158A>G (p.Thr386=)

Gene: DARS1 (aspartyl-tRNA synthetase 1; minus strand). Cytogenetic location: 2q21.3.
Variant type: single nucleotide variant.
Coding change: c.1158A>G on transcript NM_001349.4 (MANE Select); coding-DNA position 1158, A replaced by G.
Protein change: p.Thr386=; no amino-acid change (threonine 386 retained).
Molecular consequence: synonymous variant.
Genome position (GRCh38, 1-based): chr2:135,912,558, T>C on the plus strand (A>G on the coding strand, the complement: DARS1 is on the minus strand). VCF-style: chr2-135912558-T-C. GRCh37 (hg19) VCF-style: chr2-136670128-T-C.
Other names: c.858A>G, p.Thr286= (NM_001293312.1); c.1158A>G (NM_001349.3).
Identifiers: ClinVar variation 508845 (VCV000508845.6), dbSNP rs373077996, ClinGen allele CA1889546.

ClinVar aggregate classification (germline): Likely benign. Review status: criteria provided, multiple submitters, no conflicts (2 of 4 stars). 3 submissions from 3 submitters: Likely benign (2). 1 of the submissions does not count toward it. Last evaluated 2022-11-04.

Conditions:
DARS1-related disorder. Also called: DARS1-related condition.

Allele frequency attached by ClinVar (database versions not stated): gnomAD exomes 0.00002 and 0.00006; ExAC 0.00007; ESP Exome Variant Server 0.00015; 1000 Genomes Project 30x 0.00016; gnomAD 0.00017 and 0.00018; TOPMed 0.00019; 1000 Genomes Project 0.00020.
gnomAD v4.1: 36 of 887,994 alleles (0.0041%); highest among the groups gnomAD compares: African/African-American, 0.06%; no homozygotes.

Submissions (3):

Labcorp Genetics (formerly Invitae), Labcorp
Classification: Likely benign. Last evaluated: 2022-11-04. Review status: criteria provided, single submitter. Criteria: Invitae Variant Classification Sherloc (09022015). Collection method: clinical testing. Allele origin: germline.

GeneDx
Classification: Likely benign. Last evaluated: 2017-11-30. Review status: criteria provided, single submitter. Criteria: GeneDx Variant Classification (06012015). Collection method: clinical testing. Allele origin: germline. Affected: yes.
Comment: This variant is considered likely benign or benign based on one or more of the following criteria: it is a conservative change, it occurs at a poorly conserved position in the protein, it is predicted to be benign by multiple in silico algorithms, and/or has population frequency not consistent with disease.

PreventionGenetics, part of Exact Sciences
Classification: Likely benign for DARS1-related condition. Last evaluated: 2019-05-28. Review status: no assertion criteria provided. Collection method: clinical testing. Allele origin: germline. Not counted in ClinVar's aggregate classification.
Comment: This variant is classified as likely benign based on ACMG/AMP sequence variant interpretation guidelines (Richards et al. 2015 PMID: 25741868, with internal and published modifications).